The following is an entry in ClinVar:

ClinVar aggregate classification (germline): Pathogenic (1 of 4 stars; one submission).

Conditions:
Congenital myasthenic syndrome (CMS). Also called: Congenital Myasthenic Syndromes. Identifiers: Orphanet 590, MedGen C0751882, MeSH D020294, MONDO:0018940.

Submission:

Myriad Genetics, Inc.
Classification: Pathogenic for Congenital myasthenic syndrome. Last evaluated: 2025-11-27. Review status: criteria provided, single submitter. Criteria: Myriad Autosomal Dominant, Autosomal Recessive and X-Linked Classification Criteria (2023). Collection method: clinical testing. Allele origin: unknown.
Comment: NM_000080.3(CHRNE):c.23_39dup17(L14Sfs*50) is expected to be pathogenic in the context of congenital myasthenic syndrome, CHRNE-related. This variant is predicted to lead to an abnormal or absent protein product due to the creation of a premature termination codon in CHRNE, a gene where loss-of-function variants are known to be pathogenic. Please note: this variant was assessed in the context of healthy population screening.

NM_000080.4(CHRNE):c.23_39dup (p.Leu14fs)

Genes: C17orf107 (chromosome 17 open reading frame 107; plus strand), CHRNE (cholinergic receptor nicotinic epsilon subunit; minus strand). Cytogenetic location: 17p13.2.
Variant type: Duplication.
Coding change: c.23_39dup on transcript NM_000080.4 (MANE Select); coding-DNA positions 23 to 39, 17 bases duplicated (TCCTGCTCCTCTTGGGG).
Protein change: p.Leu14fs; shifts the reading frame from leucine 14.
Molecular consequence: frameshift variant.
Genome position (GRCh38, 1-based): chr17:4,903,025-4,903,041, CCCCAAGAGGAGCAGGA duplicated on the plus strand (TCCTGCTCCTCTTGGGG on the coding strand, the reverse complement: CHRNE is on the minus strand); duplicating any 17 consecutive bases within chr17:4,903,025-4,903,048 gives the same sequence; the c. name uses the placement nearest the transcript's 3' end. VCF-style (leftmost placement, unchanged base first): chr17-4903024-G-GCCCCAAGAGGAGCAGGA. GRCh37 (hg19) VCF-style: chr17-4806319-G-GCCCCAAGAGGAGCAGGA.
Other names: short protein forms L14fs.
Identifiers: ClinVar variation 5015268 (VCV005015268.1).